The following is an entry in ClinVar:

ClinVar aggregate classification (germline): Uncertain significance. Review status: criteria provided, multiple submitters, no conflicts (2 of 4 stars). 2 submissions from 2 submitters: Uncertain significance (2). Last evaluated 2026-01-22.

Conditions:
Rubinstein-Taybi syndrome due to EP300 haploinsufficiency. Also called: RUBINSTEIN-TAYBI SYNDROME 2; EP300-Related Rubinstein-Taybi Syndrome. Identifiers: Orphanet 353284, Orphanet 783, MedGen C3150941, MONDO:0013364, OMIM 613684.

Submissions (2):

Dasa
Classification: Uncertain significance. Last evaluated: 2026-01-22. Review status: criteria provided, single submitter. Criteria: DASA Assertion Criteria. Collection method: clinical testing. Allele origin: germline.
Comment: NM_001429.4(EP300):c.4529C>G (p.Pro1510Arg) is a missense variant that results in the substitution of proline with arginine. This variant is rare in population databases. Computational prediction algorithms are consistent with a deleterious effect. The currently available literature and clinical evidence are not sufficient to establish a definitive association between this variant and the reported condition. Therefore, this variant is classified as a variant of uncertain significance.

Labcorp Genetics (formerly Invitae), Labcorp
Classification: Uncertain significance for Rubinstein-Taybi syndrome due to EP300 haploinsufficiency. Last evaluated: 2017-12-14. Review status: criteria provided, single submitter. Criteria: Invitae Variant Classification Sherloc (09022015). Collection method: clinical testing. Allele origin: germline.
Comment: In summary, the available evidence is currently insufficient to determine the role of this variant in disease. Therefore, it has been classified as a Variant of Uncertain Significance. Algorithms developed to predict the effect of missense changes on protein structure and function (SIFT, PolyPhen-2, Align-GVGD) all suggest that this variant is likely to be disruptive, but these predictions have not been confirmed by published functional studies and their clinical significance is uncertain. This variant has not been reported in the literature in individuals with EP300-related disease. This variant is not present in population databases (ExAC no frequency). This sequence change replaces proline with arginine at codon 1510 of the EP300 protein (p.Pro1510Arg). The proline residue is highly conserved and there is a moderate physicochemical difference between proline and arginine.

NM_001429.4(EP300):c.4529C>G (p.Pro1510Arg)

Gene: EP300 (EP300 lysine acetyltransferase; plus strand). Cytogenetic location: 22q13.2.
Variant type: single nucleotide variant.
Coding change: c.4529C>G on transcript NM_001429.4 (MANE Select); coding-DNA position 4529, C replaced by G.
Protein change: p.Pro1510Arg; replaces proline 1510 with arginine.
Molecular consequence: missense variant.
Genome position (GRCh38, 1-based): chr22:41,172,575, C>G. VCF-style: chr22-41172575-C-G. GRCh37 (hg19) VCF-style: chr22-41568579-C-G.
Other names: c.4451C>G, p.Pro1484Arg (NM_001362843.2); short protein forms P1510R, P1484R.
Identifiers: ClinVar variation 575459 (VCV000575459.13), dbSNP rs1569118503, ClinGen allele CA411702990.